The following is an entry in ClinVar:

NM_001145809.2(MYH14):c.293G>A (p.Arg98His)

Gene: MYH14 (myosin heavy chain 14; plus strand). Cytogenetic location: 19q13.33.
Variant type: single nucleotide variant.
Coding change: c.293G>A on transcript NM_001145809.2 (MANE Select); coding-DNA position 293, G replaced by A.
Protein change: p.Arg98His; replaces arginine 98 with histidine.
Molecular consequence: missense variant.
Genome position (GRCh38, 1-based): chr19:50,210,658, G>A. VCF-style: chr19-50210658-G-A. GRCh37 (hg19) VCF-style: chr19-50713915-G-A.
Other names: c.293G>A, p.Arg98His (NM_001077186.2, NM_024729.4); short protein forms R98H.
Identifiers: ClinVar variation 808623 (VCV000808623.47), dbSNP rs370947453, ClinGen allele CA309565626.

ClinVar aggregate classification (germline): Uncertain significance. Review status: criteria provided, multiple submitters, no conflicts (2 of 4 stars). 3 submissions from 3 submitters: Uncertain significance (3). Last evaluated 2024-11-11.

Allele frequency attached by ClinVar (database versions not stated): gnomAD 0.00002; ESP Exome Variant Server 0.00008.
gnomAD v4.1: 18 of 1,570,376 alleles (0.0011%); highest among the groups gnomAD compares: African/African-American, 0.0041%; no homozygotes.

Submissions (3):

Labcorp Genetics (formerly Invitae), Labcorp
Classification: Uncertain significance. Last evaluated: 2024-11-11. Review status: criteria provided, single submitter. Criteria: Invitae Variant Classification Sherloc (09022015). Collection method: clinical testing. Allele origin: germline.
Comment: This sequence change replaces arginine, which is basic and polar, with histidine, which is basic and polar, at codon 98 of the MYH14 protein (p.Arg98His). The frequency data for this variant in the population databases is considered unreliable, as metrics indicate poor data quality at this position in the gnomAD database. This missense change has been observed in individual(s) with deafness (PMID: 36515421). ClinVar contains an entry for this variant (Variation ID: 808623). Invitae Evidence Modeling of protein sequence and biophysical properties (such as structural, functional, and spatial information, amino acid conservation, physicochemical variation, residue mobility, and thermodynamic stability) indicates that this missense variant is expected to disrupt MYH14 protein function with a positive predictive value of 80%. In summary, the available evidence is currently insufficient to determine the role of this variant in disease. Therefore, it has been classified as a Variant of Uncertain Significance.

GeneDx
Classification: Uncertain significance. Last evaluated: 2021-01-11. Review status: criteria provided, single submitter. Criteria: GeneDx Variant Classification Process June 2021. Collection method: clinical testing. Allele origin: germline. Affected: yes.
Comment: In silico analysis supports that this missense variant has a deleterious effect on protein structure/function; Has not been previously published as pathogenic or benign to our knowledge

CeGaT Center for Human Genetics Tuebingen
Classification: Uncertain significance. Last evaluated: 2016-07-01. Review status: criteria provided, single submitter. Criteria: CeGaT Center For Human Genetics Tuebingen Variant Classification Criteria Version 2. Collection method: clinical testing. Allele origin: germline. Affected: yes. Observed: 1 variant allele.

Literature cited by the submitters: PubMed 36515421 (cited by Labcorp Genetics (formerly Invitae), Labcorp).